The following is an entry in ClinVar:

ClinVar aggregate classification (germline): Pathogenic. Review status: criteria provided, multiple submitters, no conflicts (2 of 4 stars). 7 submissions from 7 submitters: Pathogenic (7). Last evaluated 2025-10-22.

Conditions:
Knobloch syndrome (KNO). Also called: Myopia retinal detachment encephalocele; RETINAL DETACHMENT AND OCCIPITAL ENCEPHALOCELE. Identifiers: Orphanet 1571, MedGen C1849409, MONDO:0800166.
COL18A1-related disorder. Also called: COL18A1-related disorders; COL18A1-related condition.

Submissions (7):

Labcorp Genetics (formerly Invitae), Labcorp
Classification: Pathogenic. Last evaluated: 2025-10-22. Review status: criteria provided, single submitter. Criteria: Invitae Variant Classification Sherloc (09022015). Collection method: clinical testing. Allele origin: germline.
Comment: This sequence change creates a premature translational stop signal (p.Pro990Leufs*35) in the COL18A1 gene. It is expected to result in an absent or disrupted protein product. Loss-of-function variants in COL18A1 are known to be pathogenic (PMID: 12415512, 25456301). This variant is present in population databases (rs756797124, gnomAD 0.002%). This premature translational stop signal has been observed in individuals with clinical features of Knobloch syndrome (PMID: 12415512, 32860008). ClinVar contains an entry for this variant (Variation ID: 623349). For these reasons, this variant has been classified as Pathogenic.

CeGaT Center for Human Genetics Tuebingen
Classification: Pathogenic. Last evaluated: 2025-02-01. Review status: criteria provided, single submitter. Criteria: CeGaT Center For Human Genetics Tuebingen Variant Classification Criteria Version 2. Collection method: clinical testing. Allele origin: germline. Affected: yes. Observed: 1 variant allele.
Comment: COL18A1: PVS1, PM3:Strong, PM2

GeneDx
Classification: Pathogenic. Last evaluated: 2024-12-26. Review status: criteria provided, single submitter. Criteria: GeneDx Variant Classification Process June 2021. Collection method: clinical testing. Allele origin: germline. Affected: yes.
Comment: Observed with a pathogenic or likely pathogenic variant on the opposite allele (in trans) and in the homozygous state in patients with Knobloch syndrome referred for genetic testing at GeneDx and in published literature (PMID: 12415512, 32860008); Not observed at significant frequency in large population cohorts (gnomAD); Frameshift variant predicted to result in protein truncation or nonsense mediated decay in a gene for which loss of function is a known mechanism of disease; This variant is associated with the following publications: (PMID: 32860008, 12415512)

Blueprint Genetics
Classification: Pathogenic for COL18A1-related disorders. Last evaluated: 2022-09-02. Review status: criteria provided, single submitter. Criteria: ACMG Guidelines, 2015. Collection method: clinical testing. Allele origin: germline. Affected: yes. Observed: 5 variant alleles.

Dasa
Classification: Pathogenic for Knobloch syndrome 1. Last evaluated: 2022-01-05. Review status: criteria provided, single submitter. Criteria: ACMG Guidelines, 2015. Collection method: clinical testing. Allele origin: germline. Affected: yes. Observed: 1 variant allele.
Comment: The c.3509_3518del;p.(Pro1170Leufs*35) is a null frameshift variant (NMD) in the COL18A1 gene and predicts alteration of the nonsense-mediate decay - NMD is present in a relevantexon to the transcript -PVS1. This sequence change has been observed in affected individual(s) and ClinVar contains an entry for this variant (PMID: 32860008) - PS4. This variant is not present in population databases (rs756797124, gnomAD; ABraOM no frequency) - PM2. The p.(Pro1170Leufs*35) was detected in trans with a pathogenic variant (PMID: 32860008) -PM3. In summary, the currently available evidence indicates that the variant is pathogenic.

Department of Genetics, Sultan Qaboos University Hospital
Classification: Pathogenic for Knobloch syndrome 1. Last evaluated: 2017-12-30. Review status: criteria provided, single submitter. Criteria: ACMG Guidelines, 2015. Collection method: curation. Allele origin: unknown. Affected: yes.

CENTOGENE GmbH and LLC - Guiding Precision Medicine
Classification: Pathogenic for Knobloch syndrome 1. Review status: criteria provided, single submitter. Criteria: ACMG Guidelines, 2015. Collection method: clinical testing. Allele origin: germline. Affected: yes.

Literature cited by the submitters: PubMed 12415512 (cited by Labcorp Genetics (formerly Invitae), Labcorp); PubMed 25456301 (cited by Labcorp Genetics (formerly Invitae), Labcorp); PubMed 32860008 (cited by 3 submitters).

NM_001379500.1(COL18A1):c.2978_2987del (p.Pro993fs)

Genes: COL18A1 (collagen type XVIII alpha 1 chain; plus strand), SLC19A1 (solute carrier family 19 member 1; minus strand). Cytogenetic location: 21q22.3.
Variant type: Deletion.
Coding change: c.2978_2987del on transcript NM_001379500.1 (MANE Select); coding-DNA positions 2978 to 2987, 10 bases deleted (CAGGGCCCCC; older notation c.2978_2987delCAGGGCCCCC).
Protein change: p.Pro993fs; shifts the reading frame from proline 993.
Molecular consequence: frameshift variant.
Genome position (GRCh38, 1-based): chr21:45,505,243-45,505,252, CAGGGCCCCC deleted; deleting any 10 consecutive bases within chr21:45,505,236-45,505,252 gives the same sequence; the c. name uses the placement nearest the transcript's 3' end. VCF-style (leftmost placement, unchanged base first): chr21-45505235-AGGCCCCCCAG-A. GRCh37 (hg19) VCF-style: chr21-46925149-AGGCCCCCCAG-A.
Other names: NM_130445.2:c.2969_2978del; c.3509_3518del, p.Pro1170fs (NM_030582.4); c.4214_4223del, p.Pro1405fs (NM_130444.3); short protein forms P1405fs, P1170fs, P993fs.
Identifiers: ClinVar variation 623349 (VCV000623349.27), dbSNP rs756797124, ClinGen allele CA10067585.